The following is an entry in ClinVar:

NM_002880.4(RAF1):c.313C>G (p.His105Asp)

Gene: RAF1 (Raf-1 proto-oncogene, serine/threonine kinase; minus strand). Cytogenetic location: 3p25.2.
Variant type: single nucleotide variant.
Coding change: c.313C>G on transcript NM_002880.4 (MANE Select); coding-DNA position 313, C replaced by G.
Protein change: p.His105Asp; replaces histidine 105 with aspartic acid.
Molecular consequence: missense variant. On other transcripts: non-coding transcript variant (3), intron variant (4).
Genome position (GRCh38, 1-based): chr3:12,611,957, G>C on the plus strand (C>G on the coding strand, the complement: RAF1 is on the minus strand). VCF-style: chr3-12611957-G-C. GRCh37 (hg19) VCF-style: chr3-12653456-G-C.
Other names: c.313C>G, p.His105Asp (NM_001354689.3, NM_001354690.3, NM_001354693.3); c.78-2622C>G (NM_001354695.3, NM_001354692.3, NM_001354694.3 and 1 more transcripts); short protein forms H105D.
Identifiers: ClinVar variation 44624 (VCV000044624.12), dbSNP rs397516818, ClinGen allele CA134724.

ClinVar aggregate classification (germline): Uncertain significance. Review status: criteria provided, multiple submitters, no conflicts (2 of 4 stars). 3 submissions from 3 submitters: Uncertain significance (3). Last evaluated 2026-01-14.

Conditions:
RASopathy. Also called: Noonan spectrum disorder; rasopathies. Identifiers: Orphanet 536391, MedGen C5555857, MONDO:0021060.

Allele frequency attached by ClinVar (database versions not stated): gnomAD exomes below 0.00001; gnomAD 0.00001 and 0.00002; TOPMed 0.00002.
gnomAD v4.1: 9 of 1,613,738 alleles (0.00056%); highest among the groups gnomAD compares: Non-Finnish European, 0.00068%; no homozygotes.

Submissions (3):

Labcorp Genetics (formerly Invitae), Labcorp
Classification: Uncertain significance for RASopathy. Last evaluated: 2026-01-14. Review status: criteria provided, single submitter. Criteria: Invitae Variant Classification Sherloc (09022015). Collection method: clinical testing. Allele origin: germline.
Comment: This sequence change replaces histidine, which is basic and polar, with aspartic acid, which is acidic and polar, at codon 105 of the RAF1 protein (p.His105Asp). This variant is not present in population databases (gnomAD no frequency). This variant has not been reported in the literature in individuals affected with RAF1-related conditions. ClinVar contains an entry for this variant (Variation ID: 44624). Invitae Evidence Modeling of protein sequence and biophysical properties (such as structural, functional, and spatial information, amino acid conservation, physicochemical variation, residue mobility, and thermodynamic stability) indicates that this missense variant is not expected to disrupt RAF1 protein function with a negative predictive value of 95%. In summary, the available evidence is currently insufficient to determine the role of this variant in disease. Therefore, it has been classified as a Variant of Uncertain Significance.

GeneDx
Classification: Uncertain significance. Last evaluated: 2020-01-31. Review status: criteria provided, single submitter. Criteria: GeneDx Variant Classification Process June 2021. Collection method: clinical testing. Allele origin: germline. Affected: yes.
Comment: Has not been previously published as pathogenic or benign to our knowledge; Not observed in large population cohorts (Lek et al., 2016); In silico analysis supports that this missense variant does not alter protein structure/function

Laboratory for Molecular Medicine, Mass General Brigham Personalized Medicine
Classification: Uncertain significance. Last evaluated: 2009-04-10. Review status: criteria provided, single submitter. Criteria: LMM Criteria. Collection method: clinical testing. Allele origin: germline. Observed: 1 variant allele.